The following is an entry in ClinVar:

ClinVar aggregate classification (germline): Likely benign. Review status: criteria provided, multiple submitters, no conflicts (2 of 4 stars). 2 submissions from 2 submitters: Likely benign (2). Last evaluated 2026-05-19.

Conditions:
NPC1-related disorder. Also called: NPC1-related condition.
Niemann-Pick disease, type C1. Also called: NIEMANN-PICK DISEASE, VARIANT TYPE C1; NEUROVISCERAL STORAGE DISEASE WITH VERTICAL SUPRANUCLEAR OPHTHALMOPLEGIA; NIEMANN-PICK DISEASE WITH CHOLESTEROL ESTERIFICATION BLOCK; NIEMANN-PICK DISEASE WITHOUT SPHINGOMYELINASE DEFICIENCY; NIEMANN-PICK DISEASE, CHRONIC NEURONOPATHIC FORM. Identifiers: Orphanet 646, MedGen C3179455, MONDO:0009757, OMIM 257220.

Submissions (2):

PreventionGenetics, part of Exact Sciences
Classification: Likely benign for NPC1-related condition. Last evaluated: 2026-05-19. Review status: criteria provided, single submitter. Criteria: ACMG Guidelines, 2015. Collection method: clinical testing. Allele origin: germline.
Comment: This variant is classified as likely benign based on ACMG/AMP sequence variant interpretation guidelines (Richards et al. 2015 PMID: 25741868, with internal and published modifications).

Labcorp Genetics (formerly Invitae), Labcorp
Classification: Likely benign for Niemann-Pick disease, type C1. Last evaluated: 2025-10-15. Review status: criteria provided, single submitter. Criteria: Invitae Variant Classification Sherloc (09022015). Collection method: clinical testing. Allele origin: germline.

NM_000271.5(NPC1):c.1947+11_1947+12insGGA

Gene: NPC1 (NPC intracellular cholesterol transporter 1; minus strand). Cytogenetic location: 18q11.2.
Variant type: Insertion.
Coding change: c.1947+11_1947+12insGGA on transcript NM_000271.5 (MANE Select); bases 11 to 12 of the intron after coding-DNA position 1947, GGA inserted.
Molecular consequence: intron variant.
Genome position: GRCh38 VCF-style: chr18-23544948-C-CCCT. GRCh37 (hg19) VCF-style: chr18-21124912-C-CCCT.
Other names: c.1947+11_1947+12insAGG (NM_000271.4).
Identifiers: ClinVar variation 1540099 (VCV001540099.9), dbSNP rs547107514, ClinGen allele CA8913314.